The following is an entry in ClinVar:

NM_000458.4(HNF1B):c.452C>G (p.Ser151Cys)

Gene: HNF1B (HNF1 homeobox B; minus strand). Cytogenetic location: 17q12.
Variant type: single nucleotide variant.
Coding change: c.452C>G on transcript NM_000458.4 (MANE Select); coding-DNA position 452, C replaced by G.
Protein change: p.Ser151Cys; replaces serine 151 with cysteine.
Molecular consequence: missense variant.
Genome position (GRCh38, 1-based): chr17:37,739,532, G>C on the plus strand (C>G on the coding strand, the complement: HNF1B is on the minus strand). VCF-style: chr17-37739532-G-C. GRCh37 (hg19) VCF-style: chr17-36099523-G-C.
Other names: c.452C>G, p.Ser151Cys (NM_001165923.4, NM_001304286.2); short protein forms S151C.
Identifiers: ClinVar variation 635696 (VCV000635696.1), dbSNP rs2511829137, ClinGen allele CA398751398.

ClinVar aggregate classification (germline): Likely pathogenic (1 of 4 stars; one submission).

Conditions:
Renal cysts and diabetes syndrome (RCAD). Also called: Familial hypoplastic, glomerulocystic kidney; MATURITY-ONSET DIABETES OF THE YOUNG, TYPE 5. Identifiers: Orphanet 93111, MedGen C0431693, MONDO:0007669, OMIM 137920.

Submission:

Institute of Human Genetics, FAU Erlangen, Friedrich-Alexander-Universität Erlangen-Nürnberg
Classification: Likely pathogenic for Renal cysts and diabetes syndrome. Last evaluated: 2019-07-06. Review status: criteria provided, single submitter. Criteria: ACMG Guidelines, 2015. Collection method: literature only. Allele origin: germline. Affected: yes.
Comment: This variant and it's classification has been reported by Vasileiou et al. 2019; DOI:10.1101/576918. The variants has previously been reported in PMID:20378641; PMID:25700310; PMID:20378641; PMID:25536396 as "c.452C->G,p.Ser151Cys; c.452C>G; c.452C>G" with clinical significance Pathogenic. It has been re-classified using InterVar and manual curation as Likely pathogenic based on PM1 PM2 PM5 PP3 PP5.

Literature cited by the submitters: PubMed 20378641; PubMed 25700310; PubMed 25536396; DOI 10.1101/576918.